The following is an entry in ClinVar:

NM_018706.7(DHTKD1):c.353T>C (p.Val118Ala)

Gene: DHTKD1 (dehydrogenase E1 and transketolase domain containing 1; plus strand). Cytogenetic location: 10p14.
Variant type: single nucleotide variant.
Coding change: c.353T>C on transcript NM_018706.7 (MANE Select); coding-DNA position 353, T replaced by C.
Protein change: p.Val118Ala; replaces valine 118 with alanine.
Molecular consequence: missense variant.
Genome position (GRCh38, 1-based): chr10:12,084,582, T>C. VCF-style: chr10-12084582-T-C. GRCh37 (hg19) VCF-style: chr10-12126581-T-C.
Other names: short protein forms V118A.
Identifiers: ClinVar variation 3710909 (VCV003710909.2).

ClinVar aggregate classification (germline): Uncertain significance (1 of 4 stars; one submission).

Conditions:
2-aminoadipic 2-oxoadipic aciduria (AAKAD). Also called: ALPHA-AMINOADIPIC AND ALPHA-KETOADIPIC ACIDURIA; Aminoadipic aciduria. Identifiers: Orphanet 79154, MedGen C1859817, MONDO:0008774, OMIM 204750.

gnomAD v4.1: 4 of 1,613,382 alleles (0.00025%); highest among the groups gnomAD compares: Admixed American, 0.0017%; no homozygotes.

Submission:

Labcorp Genetics (formerly Invitae), Labcorp
Classification: Uncertain significance for 2-aminoadipic 2-oxoadipic aciduria. Last evaluated: 2024-03-15. Review status: criteria provided, single submitter. Criteria: Invitae Variant Classification Sherloc (09022015). Collection method: clinical testing. Allele origin: germline.
Comment: This sequence change replaces valine, which is neutral and non-polar, with alanine, which is neutral and non-polar, at codon 118 of the DHTKD1 protein (p.Val118Ala). This variant is not present in population databases (gnomAD no frequency). This variant has not been reported in the literature in individuals affected with DHTKD1-related conditions. Advanced modeling of protein sequence and biophysical properties (such as structural, functional, and spatial information, amino acid conservation, physicochemical variation, residue mobility, and thermodynamic stability) performed at Invitae indicates that this missense variant is not expected to disrupt DHTKD1 protein function with a negative predictive value of 80%. In summary, the available evidence is currently insufficient to determine the role of this variant in disease. Therefore, it has been classified as a Variant of Uncertain Significance.